The following is an entry in ClinVar:

NM_001164508.2(NEB):c.24733A>G (p.Arg8245Gly)

Genes: NEB (nebulin; minus strand), RIF1 (replication timing regulatory factor 1; plus strand). Cytogenetic location: 2q23.3.
Variant type: single nucleotide variant.
Coding change: c.24733A>G on transcript NM_001164508.2 (MANE Select); coding-DNA position 24733, A replaced by G.
Protein change: p.Arg8245Gly; replaces arginine 8245 with glycine.
Molecular consequence: missense variant.
Genome position (GRCh38, 1-based): chr2:151,493,385, T>C on the plus strand (A>G on the coding strand, the complement: NEB is on the minus strand). VCF-style: chr2-151493385-T-C. GRCh37 (hg19) VCF-style: chr2-152349899-T-C.
Other names: c.19165A>G, p.Arg6389Gly (NM_004543.5); c.24733A>G, p.Arg8245Gly (NM_001164507.2); c.24838A>G, p.Arg8280Gly (NM_001271208.2); short protein forms R6389G, R8280G, R8245G.
Identifiers: ClinVar variation 936991 (VCV000936991.9), dbSNP rs2058041442, ClinGen allele CA348774704.

ClinVar aggregate classification (germline): Uncertain significance (1 of 4 stars; one submission).

Conditions:
Nemaline myopathy 2 (NEM2). Also called: Nemaline myopathy 2, autosomal recessive. Identifiers: MedGen C1850569, MONDO:0009725, OMIM 256030.

Submission:

Labcorp Genetics (formerly Invitae), Labcorp
Classification: Uncertain significance for Nemaline myopathy 2. Last evaluated: 2019-09-09. Review status: criteria provided, single submitter. Criteria: Invitae Variant Classification Sherloc (09022015). Collection method: clinical testing. Allele origin: germline.
Comment: In summary, the available evidence is currently insufficient to determine the role of this variant in disease. Therefore, it has been classified as a Variant of Uncertain Significance. Algorithms developed to predict the effect of missense changes on protein structure and function are either unavailable or do not agree on the potential impact of this missense change (SIFT: "Deleterious"; PolyPhen-2: "Not Available"; Align-GVGD: "Class C0"). This variant has not been reported in the literature in individuals with NEB-related conditions. This variant is not present in population databases (ExAC no frequency). This sequence change replaces arginine with glycine at codon 8280 of the NEB protein (p.Arg8280Gly). The arginine residue is moderately conserved and there is a moderate physicochemical difference between arginine and glycine.